The following is an entry in ClinVar:

ClinVar aggregate classification (germline): Uncertain significance (1 of 4 stars; one submission).

Conditions:
Dilated cardiomyopathy 1O (CMD1O). Also called: CARDIOMYOPATHY, DILATED, WITH VENTRICULAR TACHYCARDIA. Identifiers: Orphanet 154, MedGen C1837839, MONDO:0012062, OMIM 608569.

Submission:

Labcorp Genetics (formerly Invitae), Labcorp
Classification: Uncertain significance for Dilated cardiomyopathy 1O. Last evaluated: 2022-04-01. Review status: criteria provided, single submitter. Criteria: Invitae Variant Classification Sherloc (09022015). Collection method: clinical testing. Allele origin: germline.
Comment: In summary, the available evidence is currently insufficient to determine the role of this variant in disease. Therefore, it has been classified as a Variant of Uncertain Significance. Algorithms developed to predict the effect of missense changes on protein structure and function are either unavailable or do not agree on the potential impact of this missense change (SIFT: "Deleterious"; PolyPhen-2: "Possibly Damaging"; Align-GVGD: "Class C0"). This variant has not been reported in the literature in individuals affected with ABCC9-related conditions. This variant is not present in population databases (gnomAD no frequency). This sequence change replaces alanine, which is neutral and non-polar, with valine, which is neutral and non-polar, at codon 389 of the ABCC9 protein (p.Ala389Val).

NM_020297.4(ABCC9):c.1166C>T (p.Ala389Val)

Gene: ABCC9 (ATP binding cassette subfamily C member 9; minus strand). Cytogenetic location: 12p12.1.
Variant type: single nucleotide variant.
Coding change: c.1166C>T on transcript NM_020297.4 (MANE Select); coding-DNA position 1166, C replaced by T.
Protein change: p.Ala389Val; replaces alanine 389 with valine.
Molecular consequence: missense variant.
Genome position (GRCh38, 1-based): chr12:21,910,311, G>A on the plus strand (C>T on the coding strand, the complement: ABCC9 is on the minus strand). VCF-style: chr12-21910311-G-A. GRCh37 (hg19) VCF-style: chr12-22063245-G-A.
Other names: c.1166C>T, p.Ala389Val (NM_001377273.1, NM_005691.4); c.302C>T, p.Ala101Val (NM_001377274.1); short protein forms A101V, A389V.
Identifiers: ClinVar variation 2119858 (VCV002119858.4), dbSNP rs2541668730, ClinGen allele CA384119092.